The following is an entry in ClinVar:

ClinVar aggregate classification (germline): Benign (1 of 4 stars; one submission).

Conditions:
Progressive familial intrahepatic cholestasis type 1. Also called: BYLER DISEASE; Byler's disease; Severe ATP8B1 Deficiency (Progressive Familial Intrahepatic Cholestasis Type 1 [PFIC1]). Identifiers: Orphanet 79306, MedGen C4551898, MONDO:0008892, OMIM 211600.

Allele frequency attached by ClinVar (database versions not stated): gnomAD 0.00643 and 0.00683; TOPMed 0.00716; 1000 Genomes Project 0.00859; 1000 Genomes Project 30x 0.00921.

Submission:

Illumina Laboratory Services, Illumina
Classification: Benign for Progressive familial intrahepatic cholestasis type 1. Last evaluated: 2018-01-13. Review status: criteria provided, single submitter. Criteria: ICSL Variant Classification Criteria 13 December 2019. Collection method: clinical testing. Allele origin: germline.
Comment: This variant was observed in the ICSL laboratory as part of a predisposition screen in an ostensibly healthy population. It had not been previously curated by ICSL or reported in the Human Gene Mutation Database (HGMD: prior to June 1st, 2018), and was therefore a candidate for classification through an automated scoring system. Utilizing variant allele frequency, disease prevalence and penetrance estimates, and inheritance mode, an automated score was calculated to assess if this variant is too frequent to cause the disease. Based on the score and internal cut-off values, a variant classified as benign is not then subjected to further curation. The score for this variant resulted in a classification of benign for this disease.

NM_001374385.1(ATP8B1):c.*888C>G

Genes: ATP8B1 (ATPase phospholipid transporting 8B1; minus strand), ATP8B1-AS1 (ATP8B1 antisense RNA 1; plus strand). Cytogenetic location: 18q21.31.
Variant type: single nucleotide variant.
Coding change: c.*888C>G on transcript NM_001374385.1 (MANE Select); 888 bases downstream of the stop codon, C replaced by G.
Molecular consequence: 3 prime UTR variant.
Genome position (GRCh38, 1-based): chr18:57,647,600, G>C on the plus strand (C>G on the coding strand, the complement: ATP8B1 is on the minus strand). VCF-style: chr18-57647600-G-C. GRCh37 (hg19) VCF-style: chr18-55314832-G-C.
Other names: c.*888C>G (NM_001374386.1, NM_005603.6).
Identifiers: ClinVar variation 327450 (VCV000327450.5), dbSNP rs149436273, ClinGen allele CA10647942.